The following is an entry in ClinVar:

ClinVar aggregate classification (germline): Uncertain significance. Review status: criteria provided, multiple submitters, no conflicts (2 of 4 stars). 2 submissions from 2 submitters: Uncertain significance (2). Last evaluated 2024-09-11.

Conditions:
Familial thoracic aortic aneurysm and aortic dissection (TAAD). Also called: Thoracic aortic aneurysms and dissections. Identifiers: Orphanet 91387, MedGen C4707243, MONDO:0019625.

gnomAD v4.1: 1 of 1,613,692 alleles (0.000062%); no homozygotes.

Submissions (2):

Ambry Genetics
Classification: Uncertain significance for Familial thoracic aortic aneurysm and aortic dissection. Last evaluated: 2024-09-11. Review status: criteria provided, single submitter. Criteria: Ambry Variant Classification Scheme 2023. Collection method: clinical testing. Allele origin: germline.
Comment: The p.L1717P variant (also known as c.5150T>C), located in coding exon 35 of the MYH11 gene, results from a T to C substitution at nucleotide position 5150. The leucine at codon 1717 is replaced by proline, an amino acid with similar properties. This amino acid position is conserved. In addition, this alteration is predicted to be deleterious by in silico analysis. Based on the available evidence, the clinical significance of this variant remains unclear.

Color Diagnostics, LLC DBA Color Health
Classification: Uncertain significance for Familial thoracic aortic aneurysm and aortic dissection. Last evaluated: 2024-03-06. Review status: criteria provided, single submitter. Criteria: ACMG Guidelines, 2015. Collection method: clinical testing. Allele origin: germline.
Comment: This missense variant replaces leucine with proline at codon 1724 of the MYH11 protein. Computational prediction suggests that this variant may have deleterious impact on protein structure and function (internally defined REVEL score threshold >= 0.7, PMID: 27666373). To our knowledge, functional studies have not been reported for this variant. This variant has not been reported in individuals affected with cardiovascular disorders in the literature. This variant has not been identified in the general population by the Genome Aggregation Database (gnomAD). The available evidence is insufficient to determine the role of this variant in disease conclusively. Therefore, this variant is classified as a Variant of Uncertain Significance.

NM_002474.3(MYH11):c.5150T>C (p.Leu1717Pro)

Genes: MYH11 (myosin heavy chain 11; minus strand), NDE1 (nudE neurodevelopment protein 1; plus strand). Cytogenetic location: 16p13.11.
Variant type: single nucleotide variant.
Coding change: c.5150T>C on transcript NM_002474.3 (MANE Select); coding-DNA position 5150, T replaced by C.
Protein change: p.Leu1717Pro; replaces leucine 1717 with proline.
Molecular consequence: missense variant. On other transcripts: intron variant (2).
Genome position (GRCh38, 1-based): chr16:15,719,241, A>G on the plus strand (T>C on the coding strand, the complement: MYH11 is on the minus strand). VCF-style: chr16-15719241-A-G. GRCh37 (hg19) VCF-style: chr16-15813098-A-G.
Other names: c.5150T>C (NM_002474.2); c.5171T>C, p.Leu1724Pro (NM_001040113.2, NM_001040114.2); c.5150T>C, p.Leu1717Pro (NM_022844.3); c.948-4950A>G (NM_001143979.2, NM_017668.3); short protein forms L1724P, L1717P.
Identifiers: ClinVar variation 923922 (VCV000923922.5), dbSNP rs2040336060, ClinGen allele CA394850724.
Genomic context (GRCh38, chr16:15,719,241, plus strand): 5'-CTCTGCTTCAGAGCCCTCTTCCTCCATTCAGTTTCCTACCTTCCCGACAGGCTACTGGCC[A>G]GCTCCTCTGCCAGTTCCTCCTTCTCGAGGTCCGCTTGTTTGCGAGCCCTCTCAGCGGCGG-3'
Protein context (NP_002465.1, residues 1707-1727): DLEKEELAEE[Leu1717Pro]ASSLSGRNAL